The following is an entry in ClinVar:

NM_016616.5(NME8):c.1399G>C (p.Glu467Gln)

Gene: NME8 (NME/NM23 family member 8; plus strand). Cytogenetic location: 7p14.1.
Variant type: single nucleotide variant.
Coding change: c.1399G>C on transcript NM_016616.5 (MANE Select); coding-DNA position 1399, G replaced by C.
Protein change: p.Glu467Gln; replaces glutamic acid 467 with glutamine.
Molecular consequence: missense variant.
Genome position (GRCh38, 1-based): chr7:37,888,428, G>C. VCF-style: chr7-37888428-G-C. GRCh37 (hg19) VCF-style: chr7-37928030-G-C.
Other names: short protein forms E467Q.
Identifiers: ClinVar variation 2720749 (VCV002720749.4), dbSNP rs760305644, ClinGen allele CA4222508.

ClinVar aggregate classification (germline): Uncertain significance. Review status: criteria provided, multiple submitters, no conflicts (2 of 4 stars). 2 submissions from 2 submitters: Uncertain significance (2). Last evaluated 2024-06-04.

Conditions:
Primary ciliary dyskinesia 6. Also called: Primary Ciliary Dyskinesia 6: TXNDC3-Related Primary Ciliary Dyskinesia. Identifiers: Orphanet 244, MedGen C1970506, MONDO:0012571, OMIM 610852.

Allele frequency attached by ClinVar (database versions not stated): ExAC 0.00001; gnomAD exomes 0.00002; TOPMed 0.00002; gnomAD 0.00003.
gnomAD v4.1: 27 of 1,611,448 alleles (0.0017%); highest among the groups gnomAD compares: Non-Finnish European, 0.0023%; no homozygotes.

Submissions (2):

Blueprint Genetics
Classification: Uncertain significance. Last evaluated: 2024-06-04. Review status: criteria provided, single submitter. Criteria: ACMG Guidelines, 2015. Collection method: clinical testing. Allele origin: germline.

Labcorp Genetics (formerly Invitae), Labcorp
Classification: Uncertain significance for Primary ciliary dyskinesia 6. Last evaluated: 2023-06-04. Review status: criteria provided, single submitter. Criteria: Invitae Variant Classification Sherloc (09022015). Collection method: clinical testing. Allele origin: germline.
Comment: This variant is present in population databases (rs760305644, gnomAD 0.002%). This sequence change replaces glutamic acid, which is acidic and polar, with glutamine, which is neutral and polar, at codon 467 of the NME8 protein (p.Glu467Gln). This variant also falls at the last nucleotide of exon 15, which is part of the consensus splice site for this exon. This variant has not been reported in the literature in individuals affected with NME8-related conditions. In summary, the available evidence is currently insufficient to determine the role of this variant in disease. Therefore, it has been classified as a Variant of Uncertain Significance. Variants that disrupt the consensus splice site are a relatively common cause of aberrant splicing (PMID: 17576681, 9536098). Algorithms developed to predict the effect of sequence changes on RNA splicing suggest that this variant may disrupt the consensus splice site. An algorithm developed to predict the effect of missense changes on protein structure and function (PolyPhen-2) suggests that this variant is likely to be disruptive.

Literature cited by the submitters: PubMed 17576681 (cited by Labcorp Genetics (formerly Invitae), Labcorp); PubMed 9536098 (cited by Labcorp Genetics (formerly Invitae), Labcorp).